The following is an entry in ClinVar:

NM_025257.3(SLC44A4):c.174T>G (p.Tyr58Ter)

Gene: SLC44A4 (solute carrier family 44 member 4; minus strand). Cytogenetic location: 6p21.33.
Variant type: single nucleotide variant.
Coding change: c.174T>G on transcript NM_025257.3 (MANE Select); coding-DNA position 174, T replaced by G.
Protein change: p.Tyr58Ter; replaces tyrosine 58 with a stop codon.
Molecular consequence: nonsense. On other transcripts: 5 prime UTR variant (1).
Genome position (GRCh38, 1-based): chr6:31,875,920, A>C on the plus strand (T>G on the coding strand, the complement: SLC44A4 is on the minus strand). VCF-style: chr6-31875920-A-C. GRCh37 (hg19) VCF-style: chr6-31843697-A-C.
Other names: c.174T>G, p.Tyr58Ter (NM_001178044.2); c.-55T>G (NM_001178045.2); short protein forms Y58*.
Identifiers: ClinVar variation 3676009 (VCV003676009.2).

ClinVar aggregate classification (germline): Uncertain significance (1 of 4 stars; one submission).

gnomAD v4.1: 15 of 1,613,894 alleles (0.00093%); highest among the groups gnomAD compares: Non-Finnish European, 0.0013%; no homozygotes.

Submission:

Labcorp Genetics (formerly Invitae), Labcorp
Classification: Uncertain significance. Last evaluated: 2024-06-03. Review status: criteria provided, single submitter. Criteria: Invitae Variant Classification Sherloc (09022015). Collection method: clinical testing. Allele origin: germline.
Comment: This sequence change creates a premature translational stop signal (p.Tyr58*) in the SLC44A4 gene. It is expected to result in an absent or disrupted protein product. However, the current clinical and genetic evidence is not sufficient to establish whether loss-of-function variants in SLC44A4 cause disease. This variant is not present in population databases (gnomAD no frequency). This variant has not been reported in the literature in individuals affected with SLC44A4-related conditions. In summary, the available evidence is currently insufficient to determine the role of this variant in disease. Therefore, it has been classified as a Variant of Uncertain Significance.